The following is an entry in ClinVar:

NM_013266.4(CTNNA3):c.704A>G (p.Lys235Arg)

Gene: CTNNA3 (catenin alpha 3; minus strand). Cytogenetic location: 10q21.3.
Variant type: single nucleotide variant.
Coding change: c.704A>G on transcript NM_013266.4 (MANE Select); coding-DNA position 704, A replaced by G.
Protein change: p.Lys235Arg; replaces lysine 235 with arginine.
Molecular consequence: missense variant.
Genome position (GRCh38, 1-based): chr10:67,219,746, T>C on the plus strand (A>G on the coding strand, the complement: CTNNA3 is on the minus strand). VCF-style: chr10-67219746-T-C. GRCh37 (hg19) VCF-style: chr10-68979504-T-C.
Other names: c.704A>G, p.Lys235Arg (NM_001127384.3); c.740A>G, p.Lys247Arg (NM_001291133.2); short protein forms K247R, K235R.
Identifiers: ClinVar variation 4767494 (VCV004767494.1).

ClinVar aggregate classification (germline): Uncertain significance (1 of 4 stars; one submission).

Conditions:
Arrhythmogenic right ventricular dysplasia 13. Also called: ARRHYTHMOGENIC RIGHT VENTRICULAR CARDIOMYOPATHY 13; Arrhythmogenic right ventricular dysplasia, familial, 13. Identifiers: MedGen C3810138, MONDO:0000908, OMIM 615616.

gnomAD v4.1: 2 of 1,614,052 alleles (0.00012%); highest among the groups gnomAD compares: African/African-American, 0.0027%; no homozygotes.

Submission:

Labcorp Genetics (formerly Invitae), Labcorp
Classification: Uncertain significance for Arrhythmogenic right ventricular dysplasia 13. Last evaluated: 2025-04-09. Review status: criteria provided, single submitter. Criteria: Invitae Variant Classification Sherloc (09022015). Collection method: clinical testing. Allele origin: germline.
Comment: This sequence change replaces lysine, which is basic and polar, with arginine, which is basic and polar, at codon 235 of the CTNNA3 protein (p.Lys235Arg). This variant is not present in population databases (gnomAD no frequency). This variant has not been reported in the literature in individuals affected with CTNNA3-related conditions. Invitae Evidence Modeling of protein sequence and biophysical properties (such as structural, functional, and spatial information, amino acid conservation, physicochemical variation, residue mobility, and thermodynamic stability) indicates that this missense variant is not expected to disrupt CTNNA3 protein function with a negative predictive value of 80%. In summary, the available evidence is currently insufficient to determine the role of this variant in disease. Therefore, it has been classified as a Variant of Uncertain Significance.